The following is an entry in ClinVar:

NM_005993.5(TBCD):c.5C>T (p.Ala2Val)

Gene: TBCD (tubulin folding cofactor D). Cytogenetic location: 17q25.3.
Variant type: single nucleotide variant.
Coding change: c.5C>T on transcript NM_005993.5 (MANE Select); coding-DNA position 5, C replaced by T.
Protein change: p.Ala2Val; replaces alanine 2 with valine.
Molecular consequence: missense variant.
Genome position (GRCh38, 1-based): chr17:82,752,198, C>T. VCF-style: chr17-82752198-C-T. GRCh37 (hg19) VCF-style: chr17-80710074-C-T.
Other names: short protein forms A2V.
Identifiers: ClinVar variation 1366937 (VCV001366937.6), dbSNP rs1370974061, ClinGen allele CA401622127.

ClinVar aggregate classification (germline): Uncertain significance (1 of 4 stars; one submission).

Allele frequency attached by ClinVar (database versions not stated): gnomAD exomes below 0.00001; TOPMed below 0.00001.
gnomAD v4.1: 2 of 1,521,512 alleles (0.00013%); highest among the groups gnomAD compares: Admixed American, 0.0041%; no homozygotes.

Submission:

Labcorp Genetics (formerly Invitae), Labcorp
Classification: Uncertain significance. Last evaluated: 2024-12-02. Review status: criteria provided, single submitter. Criteria: Invitae Variant Classification Sherloc (09022015). Collection method: clinical testing. Allele origin: germline.
Comment: This sequence change replaces alanine, which is neutral and non-polar, with valine, which is neutral and non-polar, at codon 2 of the TBCD protein (p.Ala2Val). The frequency data for this variant in the population databases is considered unreliable, as metrics indicate poor data quality at this position in the gnomAD database. This variant has not been reported in the literature in individuals affected with TBCD-related conditions. ClinVar contains an entry for this variant (Variation ID: 1366937). An algorithm developed to predict the effect of missense changes on protein structure and function outputs the following: PolyPhen-2: "Possibly Damaging". The valine amino acid residue is found in multiple mammalian species, which suggests that this missense change does not adversely affect protein function. In summary, the available evidence is currently insufficient to determine the role of this variant in disease. Therefore, it has been classified as a Variant of Uncertain Significance.